The following is an entry in ClinVar:

NM_003242.6(TGFBR2):c.503C>T (p.Thr168Ile)

Gene: TGFBR2 (transforming growth factor beta receptor 2; plus strand). Cytogenetic location: 3p24.1.
Variant type: single nucleotide variant.
Coding change: c.503C>T on transcript NM_003242.6 (MANE Select); coding-DNA position 503, C replaced by T.
Protein change: p.Thr168Ile; replaces threonine 168 with isoleucine.
Molecular consequence: missense variant. On other transcripts: intron variant (1).
Genome position (GRCh38, 1-based): chr3:30,671,686, C>T. VCF-style: chr3-30671686-C-T. GRCh37 (hg19) VCF-style: chr3-30713178-C-T.
Other names: c.578C>T, p.Thr193Ile (NM_001024847.3); c.686C>T, p.Thr229Ile (NM_001407126.1); c.611C>T, p.Thr204Ile (NM_001407127.1); c.530C>T, p.Thr177Ile (NM_001407128.1); c.506C>T, p.Thr169Ile (NM_001407129.1); c.503C>T, p.Thr168Ile (NM_001407130.1); c.398C>T, p.Thr133Ile (NM_001407132.1, NM_001407133.1, NM_001407134.1 and 2 more transcripts); c.218C>T, p.Thr73Ile (NM_001407137.1); and 2 more; short protein forms T204I, T73I, T169I, T48I, T168I, T193I, T229I, T133I.
Identifiers: ClinVar variation 4770742 (VCV004770742.1).

ClinVar aggregate classification (germline): Uncertain significance (1 of 4 stars; one submission).

Conditions:
Familial thoracic aortic aneurysm and aortic dissection (TAAD). Also called: Thoracic aortic aneurysms and dissections. Identifiers: Orphanet 91387, MedGen C4707243, MONDO:0019625.

Submission:

Labcorp Genetics (formerly Invitae), Labcorp
Classification: Uncertain significance for Familial thoracic aortic aneurysm and aortic dissection. Last evaluated: 2025-03-06. Review status: criteria provided, single submitter. Criteria: Invitae Variant Classification Sherloc (09022015). Collection method: clinical testing. Allele origin: germline.
Comment: This sequence change replaces threonine, which is neutral and polar, with isoleucine, which is neutral and non-polar, at codon 168 of the TGFBR2 protein (p.Thr168Ile). This variant is present in population databases (no rsID available, gnomAD 0.003%). This variant has not been reported in the literature in individuals affected with TGFBR2-related conditions. Invitae Evidence Modeling of protein sequence and biophysical properties (such as structural, functional, and spatial information, amino acid conservation, physicochemical variation, residue mobility, and thermodynamic stability) indicates that this missense variant is not expected to disrupt TGFBR2 protein function with a negative predictive value of 95%. In summary, the available evidence is currently insufficient to determine the role of this variant in disease. Therefore, it has been classified as a Variant of Uncertain Significance.